The following is an entry in ClinVar:

ClinVar aggregate classification (germline): Uncertain significance (1 of 4 stars; one submission).

Allele frequency attached by ClinVar (database versions not stated): ExAC 0.00005; gnomAD exomes 0.00006; TOPMed 0.00006; ESP Exome Variant Server 0.00008.

Submission:

Labcorp Genetics (formerly Invitae), Labcorp
Classification: Uncertain significance. Last evaluated: 2026-01-19. Review status: criteria provided, single submitter. Criteria: Invitae Variant Classification Sherloc (09022015). Collection method: clinical testing. Allele origin: germline.
Comment: This sequence change replaces glycine, which is neutral and non-polar, with serine, which is neutral and polar, at codon 529 of the ABCC6 protein (p.Gly529Ser). This variant is present in population databases (rs140045277, gnomAD 0.02%). This variant has not been reported in the literature in individuals affected with ABCC6-related conditions. ClinVar contains an entry for this variant (Variation ID: 1052424). Invitae Evidence Modeling of protein sequence and biophysical properties (such as structural, functional, and spatial information, amino acid conservation, physicochemical variation, residue mobility, and thermodynamic stability) indicates that this missense variant is not expected to disrupt ABCC6 protein function with a negative predictive value of 95%. In summary, the available evidence is currently insufficient to determine the role of this variant in disease. Therefore, it has been classified as a Variant of Uncertain Significance.

NM_001171.6(ABCC6):c.1585G>A (p.Gly529Ser)

Gene: ABCC6 (ATP binding cassette subfamily C member 6; minus strand). Cytogenetic location: 16p13.11.
Variant type: single nucleotide variant.
Coding change: c.1585G>A on transcript NM_001171.6 (MANE Select); coding-DNA position 1585, G replaced by A.
Protein change: p.Gly529Ser; replaces glycine 529 with serine.
Molecular consequence: missense variant. On other transcripts: non-coding transcript variant (1).
Genome position (GRCh38, 1-based): chr16:16,190,214, C>T on the plus strand (G>A on the coding strand, the complement: ABCC6 is on the minus strand). VCF-style: chr16-16190214-C-T. GRCh37 (hg19) VCF-style: chr16-16284071-C-T.
Other names: c.1243G>A, p.Gly415Ser (NM_001351800.1); short protein forms G415S, G529S.
Identifiers: ClinVar variation 1052424 (VCV001052424.7), dbSNP rs140045277, ClinGen allele CA7926262.
Genomic context (GRCh38, chr16:16,190,214, plus strand): 5'-GTGACGTCACCAGAAATGTAGACACTTGGAAGGACACCAGCGACACAGAGAAGAGGAGGC[C>T]GGAGGTCCGCAAGGCGCCCAGCTCCTGGCCTCGGATGCCCAGGACTCTGTCCAGAAAGGC-3'
Protein context (NP_001162.5, residues 519-539): GQELGALRTS[Gly529Ser]LLFSVSLVSF